The following is an entry in ClinVar:

NM_000549.5(TSHB):c.145G>A (p.Gly49Arg)

Gene: TSHB (thyroid stimulating hormone subunit beta; plus strand). Cytogenetic location: 1p13.2.
Variant type: single nucleotide variant.
Coding change: c.145G>A on transcript NM_000549.5 (MANE Select); coding-DNA position 145, G replaced by A.
Protein change: p.Gly49Arg; replaces glycine 49 with arginine.
Molecular consequence: missense variant.
Genome position (GRCh38, 1-based): chr1:115,033,507, G>A. VCF-style: chr1-115033507-G-A. GRCh37 (hg19) VCF-style: chr1-115576128-G-A.
Other names: G29R; short protein forms G49R.
Identifiers: ClinVar variation 12684 (VCV000012684.3), dbSNP rs121918668, ClinGen allele CA122627.

ClinVar aggregate classification (germline): Pathogenic/Likely pathogenic. Review status: criteria provided, multiple submitters, no conflicts (2 of 4 stars). 3 submissions from 3 submitters: Pathogenic (1); Likely pathogenic (1). 1 of the submissions does not count toward it. Last evaluated 2024-05-23.

Conditions:
Isolated thyroid-stimulating hormone deficiency. Also called: Thyroid-stimulating hormone, deficiency of; Hypothryoidism, congenital, nongoitrous 4; THYROID-STIMULATING HORMONE DEFICIENCY; THYROTROPIN DEFICIENCY, ISOLATED; TSH DEFICIENCY; PITUITARY CRETINISM. Identifiers: Orphanet 90674, MedGen C0271789, MONDO:0010139, OMIM 275100.

Allele frequency attached by ClinVar (database versions not stated): gnomAD exomes below 0.00001 and 0.00001.
gnomAD v4.1: 7 of 1,613,180 alleles (0.00043%); highest among the groups gnomAD compares: East Asian, 0.016%; no homozygotes.

Submissions (3):

Fulgent Genetics
Classification: Likely pathogenic for Isolated thyroid-stimulating hormone deficiency. Last evaluated: 2024-05-23. Review status: criteria provided, single submitter. Criteria: ACMG Guidelines, 2015. Collection method: clinical testing. Allele origin: germline.

Women's Health and Genetics/Laboratory Corporation of America, LabCorp
Classification: Pathogenic for Isolated thyroid-stimulating hormone deficiency. Last evaluated: 2024-05-23. Review status: criteria provided, single submitter. Criteria: LabCorp Variant Classification Summary - May 2015. Collection method: clinical testing. Allele origin: germline.
Comment: Variant summary: TSHB c.145G>A (p.Gly49Arg) results in a non-conservative amino acid change located in the Glycoprotein hormone subunit beta domain (IPR006208) of the encoded protein sequence. Five of five in-silico tools predict a damaging effect of the variant on protein function. The variant allele was found at a frequency of 4e-06 in 251286 control chromosomes. c.145G>A has been reported in the literature as homozygous in two individuals affected with Isolated thyroid-stimulating hormone deficiency and has been shown to segregate with disease in one family (Hayashizaki_1989). These data indicate that the variant is likely to be associated with disease. At least one publication reports experimental evidence evaluating an impact on protein function. The most pronounced variant effect results in loss of mutant beta protein to form TSH polypeptides with alpha peptide when microinjected into Zenopus oocytes (Hayashizaki_1989). The following publication have been ascertained in the context of this evaluation (PMID: 2792087). ClinVar contains an entry for this variant (Variation ID: 12684). Based on the evidence outlined above, the variant was classified as pathogenic.

OMIM
Classification: Pathogenic for HYPOTHYROIDISM, CONGENITAL, NONGOITROUS, 4. Last evaluated: 1989-08-01. Review status: no assertion criteria provided. Collection method: literature only. Allele origin: germline. Not counted in ClinVar's aggregate classification.

Literature cited by the submitters: PubMed 2792087 (cited by Women's Health and Genetics/Laboratory Corporation of America, LabCorp and OMIM).